The following is an entry in ClinVar:

NM_002386.4(MC1R):c.83C>T (p.Ala28Val)

Gene: MC1R (melanocortin 1 receptor; plus strand). Cytogenetic location: 16q24.3.
Variant type: single nucleotide variant.
Coding change: c.83C>T on transcript NM_002386.4 (MANE Select); coding-DNA position 83, C replaced by T.
Protein change: p.Ala28Val; replaces alanine 28 with valine.
Molecular consequence: missense variant.
Genome position (GRCh38, 1-based): chr16:89,919,341, C>T. VCF-style: chr16-89919341-C-T. GRCh37 (hg19) VCF-style: chr16-89985749-C-T.
Other names: short protein forms A28V.
Identifiers: ClinVar variation 3543967 (VCV003543967.1).

ClinVar aggregate classification (germline): Uncertain significance (1 of 4 stars; one submission).

Submission:

Ambry Genetics
Classification: Uncertain significance. Last evaluated: 2024-11-25. Review status: criteria provided, single submitter. Criteria: Ambry Variant Classification Scheme 2023. Collection method: clinical testing. Allele origin: germline.
Comment: The p.A28V variant (also known as c.83C>T), located in coding exon 1 of the MC1R gene, results from a C to T substitution at nucleotide position 83. The alanine at codon 28 is replaced by valine, an amino acid with similar properties. This amino acid position is conserved. In addition, this alteration is predicted to be tolerated by in silico analysis. Based on the available evidence, the clinical significance of this variant remains unclear.